The following is an entry in ClinVar:

NM_003907.3(EIF2B5):c.2059C>T (p.Gln687Ter)

Gene: EIF2B5 (eukaryotic translation initiation factor 2B subunit epsilon; plus strand). Cytogenetic location: 3q27.1.
Variant type: single nucleotide variant.
Coding change: c.2059C>T on transcript NM_003907.3 (MANE Select); coding-DNA position 2059, C replaced by T.
Protein change: p.Gln687Ter; replaces glutamine 687 with a stop codon.
Molecular consequence: nonsense.
Genome position (GRCh38, 1-based): chr3:184,144,660, C>T. VCF-style: chr3-184144660-C-T. GRCh37 (hg19) VCF-style: chr3-183862448-C-T.
Other names: c.2059C>T (NM_003907.2); short protein forms Q687*.
Identifiers: ClinVar variation 2445970 (VCV002445970.1), dbSNP rs2473673889, ClinGen allele CA355395690.
Genomic context (GRCh38, chr3:184,144,660, plus strand): 5'-CTGATGGCTTTCTACCAGCTGGAGATCCTGGCTGAGGAAACAATTCTGAGCTGGTTCAGC[C>T]AAAGAGATACAACTGACAAGGGCCAGCAGTTGCGCAAGAATCAACAGGTGCGTCAGGCTG-3'

ClinVar aggregate classification (germline): Uncertain significance (1 of 4 stars; one submission).

Submission:

Women's Health and Genetics/Laboratory Corporation of America, LabCorp
Classification: Uncertain significance. Last evaluated: 2023-02-25. Review status: criteria provided, single submitter. Criteria: LabCorp Variant Classification Summary - May 2015. Collection method: clinical testing. Allele origin: germline.
Comment: Variant summary: EIF2B5 c.2059C>T (p.Gln687X) results in a premature termination codon and is predicted to cause a truncation of the encoded protein. Although not expected to cause absence of the protein through nonsense mediated decay, this variant disrupts the last 35 amino acids in the protein sequence. The variant was absent in 251386 control chromosomes (gnomAD). To our knowledge, no occurrence of c.2059C>T in individuals affected with Leukoencephalopathy With Vanishing White Matter and no experimental evidence demonstrating its impact on protein function have been reported. No clinical diagnostic laboratories have submitted clinical-significance assessments for this variant to ClinVar after 2014. Based on the evidence outlined above, the variant was classified as uncertain significance.